The following is an entry in ClinVar:

ClinVar aggregate classification (germline): Pathogenic/Likely pathogenic. Review status: criteria provided, multiple submitters, no conflicts (2 of 4 stars). 5 submissions from 5 submitters: Pathogenic (2); Likely pathogenic (3). Last evaluated 2024-06-24.

Conditions:
Fanconi anemia complementation group D2. Also called: FANCD2-Related Fanconi Anemia; FANCONI PANCYTOPENIA, TYPE 4; FANCONI ANEMIA, COMPLEMENTATION GROUP D. Identifiers: Orphanet 84, MedGen C3160738, MONDO:0009214, OMIM 227646.
Fanconi anemia (FA). Also called: Fanconi's anemia. Identifiers: Orphanet 84, MedGen C0015625, MeSH D005199, MONDO:0019391.

Allele frequency attached by ClinVar (database versions not stated): ExAC 0.00001; gnomAD exomes 0.00001; TOPMed 0.00002; gnomAD 0.00004 and 0.00005.
gnomAD v4.1: 26 of 1,588,052 alleles (0.0016%); highest among the groups gnomAD compares: African/African-American, 0.0067%; no homozygotes.

Submissions (5):

Labcorp Genetics (formerly Invitae), Labcorp
Classification: Pathogenic for Fanconi anemia. Last evaluated: 2024-06-24. Review status: criteria provided, single submitter. Criteria: Invitae Variant Classification Sherloc (09022015). Collection method: clinical testing. Allele origin: germline.
Comment: This sequence change creates a premature translational stop signal (p.Arg794*) in the FANCD2 gene. It is expected to result in an absent or disrupted protein product. Loss-of-function variants in FANCD2 are known to be pathogenic (PMID: 17436244). This variant is present in population databases (rs755350165, gnomAD 0.02%). This premature translational stop signal has been observed in individual(s) with melanoma (PMID: 29625052). ClinVar contains an entry for this variant (Variation ID: 1322885). Algorithms developed to predict the effect of sequence changes on RNA splicing suggest that this variant may disrupt the consensus splice site. For these reasons, this variant has been classified as Pathogenic.

Baylor Genetics
Classification: Likely pathogenic for Fanconi anemia complementation group D2. Last evaluated: 2024-03-25. Review status: criteria provided, single submitter. Criteria: ACMG Guidelines, 2015. Collection method: clinical testing. Allele origin: unknown.

Fulgent Genetics
Classification: Likely pathogenic for Fanconi anemia complementation group D2. Last evaluated: 2022-02-17. Review status: criteria provided, single submitter. Criteria: ACMG Guidelines, 2015. Collection method: clinical testing. Allele origin: unknown.

Revvity Omics, Revvity
Classification: Pathogenic for Fanconi anemia complementation group D2. Last evaluated: 2019-05-20. Review status: criteria provided, single submitter. Criteria: ACMG Guidelines, 2015. Collection method: clinical testing. Allele origin: germline.

Juno Genomics, Hangzhou Juno Genomics, Inc
Classification: Likely pathogenic for Fanconi anemia complementation group D2. Review status: criteria provided, single submitter. Criteria: ACMG Guidelines, 2015. Collection method: clinical testing. Allele origin: germline.
Comment: Null variant in a gene where loss of function (LOF) is a known mechanism of disease.;Absent from controls (or at extremely low frequency if recessive) in Genome Aggregation Database.

Literature cited by the submitters: PubMed 17436244 (cited by Labcorp Genetics (formerly Invitae), Labcorp); PubMed 29625052 (cited by Labcorp Genetics (formerly Invitae), Labcorp).

NM_001018115.3(FANCD2):c.2380C>T (p.Arg794Ter)

Genes: FANCD2 (FA complementation group D2; plus strand), LOC107303338 (3p25 FANCD2 Alu-mediated recombination region; plus strand). Cytogenetic location: 3p25.3.
Variant type: single nucleotide variant.
Coding change: c.2380C>T on transcript NM_001018115.3 (MANE Select); coding-DNA position 2380, C replaced by T.
Protein change: p.Arg794Ter; replaces arginine 794 with a stop codon.
Molecular consequence: nonsense.
Genome position (GRCh38, 1-based): chr3:10,065,974, C>T. VCF-style: chr3-10065974-C-T. GRCh37 (hg19) VCF-style: chr3-10107658-C-T.
Other names: c.2380C>T, p.Arg794Ter (NM_001319984.2, NM_001374254.1, NM_033084.6); c.2269C>T, p.Arg757Ter (NM_001374253.1); short protein forms R757*, R794*.
Identifiers: ClinVar variation 1322885 (VCV001322885.14), dbSNP rs755350165, ClinGen allele CA2250051.
Genomic context (GRCh38, chr3:10,065,974, plus strand): 5'-ATGTCTGCTAAAGAGCGTTCATTCATGTGTTCTCTCATATTTCTTACTCTCAACTGGTTC[C>T]GAGAGGTGAGCAGAGTTAATAGGATGTTTCACTTATTGTGCATAGTTTTTCTCAAAACTA-3'